The following is an entry in ClinVar:

ClinVar aggregate classification (germline): Likely pathogenic (1 of 4 stars; one submission).

Conditions:
Marfan Syndrome/Loeys-Dietz Syndrome/Familial Thoracic Aortic Aneurysms and Dissections. Identifiers: MedGen CN229799.

Submission:

Women's Health and Genetics/Laboratory Corporation of America, LabCorp
Classification: Likely pathogenic for Marfan Syndrome/Loeys-Dietz Syndrome/Familial Thoracic Aortic Aneurysms and Dissections. Last evaluated: 2020-06-22. Review status: criteria provided, single submitter. Criteria: LabCorp Variant Classification Summary - May 2015. Collection method: clinical testing. Allele origin: germline.
Comment: Variant summary: FBN1 c.4190delG (p.Gly1397ValfsX16) results in a premature termination codon, predicted to cause a truncation of the encoded protein or absence of the protein due to nonsense mediated decay, which are commonly known mechanisms for disease. Truncations downstream of this position have been classified as pathogenic by our laboratory. The variant was absent in 251380 control chromosomes (gnomAD). To our knowledge, no occurrence of c.4190delG in individuals affected with Marfan Syndrome and no experimental evidence demonstrating its impact on protein function have been reported. No clinical diagnostic laboratories have submitted clinical-significance assessments for this variant to ClinVar after 2014. Based on the evidence outlined above, the variant was classified as likely pathogenic.

NM_000138.5(FBN1):c.4190del (p.Gly1397fs)

Gene: FBN1 (fibrillin 1; minus strand). Cytogenetic location: 15q21.1.
Variant type: Deletion.
Coding change: c.4190del on transcript NM_000138.5 (MANE Select); coding-DNA position 4190, one base deleted (G; older notation c.4190delG).
Protein change: p.Gly1397fs; shifts the reading frame from glycine 1397.
Molecular consequence: frameshift variant.
Genome position (GRCh38, 1-based): chr15:48,474,275, C deleted on the plus strand (G on the coding strand, the reverse complement: FBN1 is on the minus strand); the first of 2 consecutive C bases (chr15:48,474,275-48,474,276); deleting either gives the same sequence. VCF-style (leftmost placement, unchanged base first): chr15-48474274-AC-A. GRCh37 (hg19) VCF-style: chr15-48766471-AC-A.
Other names: short protein forms G1397fs.
Identifiers: ClinVar variation 933211 (VCV000933211.1), dbSNP rs2043401531, ClinGen allele CA1139663887.